The following is an entry in ClinVar:

NM_000377.3(WAS):c.360+2_360+24del

Gene: WAS (WASP actin nucleation promoting factor; plus strand). Cytogenetic location: Xp11.23.
Variant type: Deletion.
Coding change: c.360+2_360+24del on transcript NM_000377.3 (MANE Select); the canonical splice donor site of the intron after coding-DNA position 360 through 24 bases into the intron after coding-DNA position 360, 23 bases deleted (TAAGTGATCAACCAGCCCTCGGG).
Molecular consequence: splice donor variant.
Genome position (GRCh38, 1-based): chrX:48,685,635-48,685,657, TAAGTGATCAACCAGCCCTCGGG deleted; deleting any 23 consecutive bases within chrX:48,685,634-48,685,657 gives the same sequence; the c. name uses the placement nearest the transcript's 3' end. VCF-style (leftmost placement, unchanged base first): chrX-48685633-TGTAAGTGATCAACCAGCCCTCGG-T. GRCh37 (hg19) VCF-style: chrX-48544022-TGTAAGTGATCAACCAGCCCTCGG-T.
Other names: c.360+2_360+24del (NM_001438879.1, NM_001438877.1, NM_001438878.1 and 1 more transcripts).
Identifiers: ClinVar variation 4281334 (VCV004281334.7).

ClinVar aggregate classification (germline): Likely pathogenic (1 of 4 stars; one submission).

Submission:

CeGaT Center for Human Genetics Tuebingen
Classification: Likely pathogenic. Last evaluated: 2025-11-01. Review status: criteria provided, single submitter. Criteria: CeGaT Center For Human Genetics Tuebingen Variant Classification Criteria Version 2. Collection method: clinical testing. Allele origin: germline. Affected: yes. Observed: 2 variant alleles.
Comment: WAS: PVS1:Strong, PM2